The following is an entry in ClinVar:

NC_000017.10:g.(?_41267778)_(41280110_?)del

Genes: BRCA1 (BRCA1 DNA repair associated; minus strand), NBR2 (neighbor of BRCA1 lncRNA 2; plus strand). Cytogenetic location: 17q21.31.
Variant type: Deletion.
Identifiers: ClinVar variation 2425726 (VCV002425726.7).

ClinVar aggregate classification (germline): Pathogenic (1 of 4 stars; one submission).

Conditions:
Hereditary breast ovarian cancer syndrome. Also called: Hereditary breast and ovarian cancer syndrome (HBOC); Breast and ovarian cancer; Hereditary breast and/or ovarian cancer syndrome; Hereditary breast and ovarian cancer; BRCA1- and BRCA2-Associated Hereditary Breast and Ovarian Cancer; Hereditary breast and ovarian cancer syndrome. Identifiers: Orphanet 145, MedGen C0677776, MeSH D061325, MONDO:0003582. Disease mechanism: loss of function.

Submission:

Labcorp Genetics (formerly Invitae), Labcorp
Classification: Pathogenic for Hereditary breast ovarian cancer syndrome. Last evaluated: 2022-10-19. Review status: criteria provided, single submitter. Criteria: Invitae Variant Classification Sherloc (09022015). Collection method: clinical testing. Allele origin: germline.
Comment: For these reasons, this variant has been classified as Pathogenic. This variant has not been reported in the literature in individuals affected with BRCA1-related conditions. This variant results in the deletion of exons 1-2 and part of exon 3 (c.-2842_99del) of the BRCA1 gene. It is expected to result in an absent or disrupted protein product. Loss-of-function variants in BRCA1 are known to be pathogenic (PMID: 20104584).

Literature cited by the submitters: PubMed 20104584.